The following is an entry in ClinVar:

NM_152490.5(B3GALNT2):c.112+311C>T

Gene: B3GALNT2 (beta-1,3-N-acetylgalactosaminyltransferase 2; minus strand). Cytogenetic location: 1q42.3.
Variant type: single nucleotide variant.
Coding change: c.112+311C>T on transcript NM_152490.5 (MANE Select); 311 bases into the intron after coding-DNA position 112, C replaced by T.
Molecular consequence: intron variant.
Genome position (GRCh38, 1-based): chr1:235,503,830, G>A on the plus strand (C>T on the coding strand, the complement: B3GALNT2 is on the minus strand). VCF-style: chr1-235503830-G-A. GRCh37 (hg19) VCF-style: chr1-235667130-G-A.
Other names: c.112+311C>T (NM_001277155.3).
Identifiers: ClinVar variation 680515 (VCV000680515.1), dbSNP rs12563639, ClinGen allele CA10756488.
Genomic context (GRCh38, chr1:235,503,830, plus strand): 5'-AGAGCTCCCAAAGCAGAAAGCGCTGGCGGCTGAAGGGCACACGAGGTTCCGCTCCCGGGC[G>A]AACGGGCGGCGTCGGACATCACTAACCAGGCCTGGGGACAGGCGAAGGACTTGCAACTGC-3'

ClinVar aggregate classification (germline): Benign (1 of 4 stars; one submission).

Allele frequency attached by ClinVar (database versions not stated): gnomAD 0.16962; TOPMed 0.19156; 1000 Genomes Project 30x 0.30903; 1000 Genomes Project 0.31310.
gnomAD v4.1: 27,401 of 152,120 alleles (18%); highest among the groups gnomAD compares: East Asian, 52%; 3,217 homozygotes.

Submission:

GeneDx
Classification: Benign. Last evaluated: 2018-06-14. Review status: criteria provided, single submitter. Criteria: GeneDx Variant Classification (06012015). Collection method: clinical testing. Allele origin: germline. Affected: yes.
Comment: This variant is considered likely benign or benign based on one or more of the following criteria: it is a conservative change, it occurs at a poorly conserved position in the protein, it is predicted to be benign by multiple in silico algorithms, and/or has population frequency not consistent with disease.